The following is an entry in ClinVar:

ClinVar aggregate classification (germline): Pathogenic/Likely pathogenic. Review status: criteria provided, multiple submitters, no conflicts (2 of 4 stars). 3 submissions from 3 submitters: Pathogenic (1); Likely pathogenic (1). 1 of the submissions does not count toward it. Last evaluated 2022-10-09.

Conditions:
Early-infantile DEE. Also called: Early infantile epileptic encephalopathy; Early infantile epileptic encephalopathy with suppression bursts; Ohtahara syndrome. Identifiers: Orphanet 1934, MedGen C0393706, MONDO:0800491.
Inborn genetic diseases. Identifiers: MedGen C0950123, MeSH D030342.
Severe myoclonic epilepsy in infancy (DRVT). Also called: SEVERE MYOCLONIC EPILEPSY OF INFANCY; DEVELOPMENTAL AND EPILEPTIC ENCEPHALOPATHY 6A; Severe Myoclonic Epilepsy in Infancy (SMEI); Dravet syndrome; Epileptic encephalopathy, early infantile, 6 (Dravet syndrome). Identifiers: Orphanet 33069, MedGen C0751122, MONDO:0100135, OMIM 607208.

Submissions (3):

Labcorp Genetics (formerly Invitae), Labcorp
Classification: Pathogenic for Early-infantile DEE. Last evaluated: 2022-10-09. Review status: criteria provided, single submitter. Criteria: Invitae Variant Classification Sherloc (09022015). Collection method: clinical testing. Allele origin: germline.
Comment: For these reasons, this variant has been classified as Pathogenic. Advanced modeling of protein sequence and biophysical properties (such as structural, functional, and spatial information, amino acid conservation, physicochemical variation, residue mobility, and thermodynamic stability) performed at Invitae indicates that this missense variant is expected to disrupt SCN1A protein function. ClinVar contains an entry for this variant (Variation ID: 68508). This missense change has been observed in individual(s) with SCN1A-related conditions (PMID: 17347258). In at least one individual the variant was observed to be de novo. This variant is not present in population databases (gnomAD no frequency). This sequence change replaces phenylalanine, which is neutral and non-polar, with leucine, which is neutral and non-polar, at codon 403 of the SCN1A protein (p.Phe403Leu).

Ambry Genetics
Classification: Likely pathogenic for Inborn genetic diseases. Last evaluated: 2018-03-20. Review status: criteria provided, single submitter. Criteria: Ambry Variant Classification Scheme 2023. Collection method: clinical testing. Allele origin: germline.
Comment: The p.F403L variant (also known as c.1207T>C), located in coding exon 9 of the SCN1A gene, results from a T to C substitution at nucleotide position 1207. The phenylalanine at codon 403 is replaced by leucine, an amino acid with highly similar properties. This alteration has been detected as de novo in two individuals with severe myoclonic epilepsy in infancy (SMEI) (Harkin LA et al. Brain, 2007 Mar;130:843-52; Berkovic SF et al. Lancet Neurol, 2006 Jun;5:488-92). A different alteration located at the same position, p.F403V, was detected in one individual with classic Dravet syndrome (Zuberi SM et al. Neurology, 2011 Feb;76:594-600). This amino acid position is highly conserved in available vertebrate species. In addition, this alteration is predicted to be deleterious by in silico analysis. Based on the majority of available evidence to date, this variant is likely to be pathogenic.

UniProtKB/Swiss-Prot
No classification provided. Condition: Severe myoclonic epilepsy in infancy. Review status: no classification provided. Collection method: not provided. Allele origin: unknown. Not counted in ClinVar's aggregate classification.

Literature cited by the submitters: PubMed 17347258 (cited by Labcorp Genetics (formerly Invitae), Labcorp and Ambry Genetics); PubMed 16713920 (cited by Ambry Genetics); PubMed 19586930 (cited by Ambry Genetics); PubMed 28150151 (cited by Ambry Genetics).

NM_001165963.4(SCN1A):c.1207T>C (p.Phe403Leu)

Gene: SCN1A (sodium voltage-gated channel alpha subunit 1; minus strand). Cytogenetic location: 2q24.3.
Variant type: single nucleotide variant.
Coding change: c.1207T>C on transcript NM_001165963.4 (MANE Select); coding-DNA position 1207, T replaced by C.
Protein change: p.Phe403Leu; replaces phenylalanine 403 with leucine.
Molecular consequence: missense variant. On other transcripts: 5 prime UTR variant (1), non-coding transcript variant (1).
Genome position (GRCh38, 1-based): chr2:166,046,940, A>G on the plus strand (T>C on the coding strand, the complement: SCN1A is on the minus strand). VCF-style: chr2-166046940-A-G. GRCh37 (hg19) VCF-style: chr2-166903450-A-G.
Other names: c.1207T>C, p.Phe403Leu (NM_001165964.3, NM_001202435.3, NM_001353948.2 and 10 more transcripts); c.-1219T>C (NM_001353961.2); short protein forms F403L.
Identifiers: ClinVar variation 68508 (VCV000068508.8), dbSNP rs121917966, ClinGen allele CA284874.